The following is an entry in ClinVar:

NM_015450.3(POT1):c.122C>A (p.Thr41Asn)

Gene: POT1 (protection of telomeres 1; minus strand). Cytogenetic location: 7q31.33.
Variant type: single nucleotide variant.
Coding change: c.122C>A on transcript NM_015450.3 (MANE Select); coding-DNA position 122, C replaced by A.
Protein change: p.Thr41Asn; replaces threonine 41 with asparagine.
Molecular consequence: missense variant. On other transcripts: 5 prime UTR variant (1), non-coding transcript variant (3).
Genome position (GRCh38, 1-based): chr7:124,892,268, G>T on the plus strand (C>A on the coding strand, the complement: POT1 is on the minus strand). VCF-style: chr7-124892268-G-T. GRCh37 (hg19) VCF-style: chr7-124532322-G-T.
Other names: c.-141C>A (NM_001042594.2); short protein forms T41N.
Identifiers: ClinVar variation 4842629 (VCV004842629.1).

ClinVar aggregate classification (germline): Uncertain significance (1 of 4 stars; one submission).

Conditions:
Hereditary cancer-predisposing syndrome. Also called: Neoplastic Syndromes, Hereditary; Tumor predisposition; Hereditary Cancer Syndrome; Hereditary neoplastic syndrome. Identifiers: Orphanet 140162, MedGen C0027672, MeSH D009386, MONDO:0015356.

Submission:

Ambry Genetics
Classification: Uncertain significance for Hereditary cancer-predisposing syndrome. Last evaluated: 2025-12-29. Review status: criteria provided, single submitter. Criteria: Ambry Variant Classification Scheme 2023. Collection method: clinical testing. Allele origin: germline.
Comment: The p.T41N variant (also known as c.122C>A), located in coding exon 2 of the POT1 gene, results from a C to A substitution at nucleotide position 122. The threonine at codon 41 is replaced by asparagine, an amino acid with similar properties. This amino acid position is conserved. In addition, this alteration is predicted to be tolerated by in silico analysis. Based on the available evidence, the clinical significance of this variant remains unclear.